The following is an entry in ClinVar:

NM_014915.3(ANKRD26):c.2879T>C (p.Ile960Thr)

Gene: ANKRD26 (ankyrin repeat domain 26; minus strand). Cytogenetic location: 10p12.1.
Variant type: single nucleotide variant.
Coding change: c.2879T>C on transcript NM_014915.3 (MANE Select); coding-DNA position 2879, T replaced by C.
Protein change: p.Ile960Thr; replaces isoleucine 960 with threonine.
Molecular consequence: missense variant.
Genome position (GRCh38, 1-based): chr10:27,035,571, A>G on the plus strand (T>C on the coding strand, the complement: ANKRD26 is on the minus strand). VCF-style: chr10-27035571-A-G. GRCh37 (hg19) VCF-style: chr10-27324500-A-G.
Other names: c.2876T>C, p.Ile959Thr (NM_001256053.2); short protein forms I960T, I959T.
Identifiers: ClinVar variation 4845124 (VCV004845124.1).

ClinVar aggregate classification (germline): Uncertain significance (1 of 4 stars; one submission).

Conditions:
Inborn genetic diseases. Identifiers: MedGen C0950123, MeSH D030342.

Submission:

Ambry Genetics
Classification: Uncertain significance for Inborn genetic diseases. Last evaluated: 2026-01-24. Review status: criteria provided, single submitter. Criteria: Ambry Variant Classification Scheme 2023. Collection method: clinical testing. Allele origin: germline.
Comment: The p.I960T variant (also known as c.2879T>C), located in coding exon 24 of the ANKRD26 gene, results from a T to C substitution at nucleotide position 2879. The isoleucine at codon 960 is replaced by threonine, an amino acid with similar properties. This amino acid position is conserved. In addition, this alteration is predicted to be tolerated by in silico analysis. Based on the available evidence, the clinical significance of this variant remains unclear.